The following is an entry in ClinVar:

NM_004859.4(CLTC):c.1495C>T (p.Gln499Ter)

Gene: CLTC (clathrin heavy chain; plus strand). Cytogenetic location: 17q23.1.
Variant type: single nucleotide variant.
Coding change: c.1495C>T on transcript NM_004859.4 (MANE Select); coding-DNA position 1495, C replaced by T.
Protein change: p.Gln499Ter; replaces glutamine 499 with a stop codon.
Molecular consequence: nonsense.
Genome position (GRCh38, 1-based): chr17:59,663,968, C>T. VCF-style: chr17-59663968-C-T. GRCh37 (hg19) VCF-style: chr17-57741329-C-T.
Other names: c.1507C>T, p.Gln503Ter (NM_001288653.2); short protein forms Q499*, Q503*.
Identifiers: ClinVar variation 3382723 (VCV003382723.2).
Genomic context (GRCh38, chr17:59,663,968, plus strand): 5'-TACCTAAGGGCTAACGTCCCAAATAAAGTCATTCAGTGCTTTGCAGAAACAGGTCAAGTC[C>T]AAAAGATTGTTTTATATGCTAAAAAAGTGAGTTCAATGAAACACATTCTCAGCATGAATT-3'

ClinVar aggregate classification (germline): Pathogenic (1 of 4 stars; one submission).

Conditions:
Intellectual developmental disorder, autosomal dominant 56. Also called: MENTAL RETARDATION, AUTOSOMAL DOMINANT 56; Intellectual disability, autosomal dominant 56. Identifiers: MedGen C4693389, MONDO:0030922, OMIM 617854.

Submission:

Juno Genomics, Hangzhou Juno Genomics, Inc
Classification: Pathogenic for Intellectual developmental disorder, autosomal dominant 56. Review status: criteria provided, single submitter. Criteria: ACMG Guidelines, 2015. Collection method: clinical testing. Allele origin: germline. Affected: yes.
Comment: Absent from controls (or at extremely low frequency if recessive) in Genome Aggregation Database, Exome Sequencing Project, 1000 Genomes Project, or Exome Aggregation Consortium.;De novo (both maternity and paternity confirmed) in a patient with the disease and no family history.;Null variant in a gene where loss of function (LOF) is a known mechanism of disease.